The following is an entry in ClinVar:

NM_145262.4(GLYCTK):c.1057del (p.His353fs)

Gene: GLYCTK (glycerate kinase; plus strand). Cytogenetic location: 3p21.2.
Variant type: Deletion.
Coding change: c.1057del on transcript NM_145262.4 (MANE Select); coding-DNA position 1057, one base deleted (C; older notation c.1057delC).
Protein change: p.His353fs; shifts the reading frame from histidine 353.
Molecular consequence: frameshift variant. On other transcripts: non-coding transcript variant (2), 3 prime UTR variant (1).
Genome position (GRCh38, 1-based): chr3:52,292,611, C deleted; the last of 3 consecutive C bases (chr3:52,292,609-52,292,611); deleting any one gives the same sequence. VCF-style (leftmost placement, unchanged base first): chr3-52292608-GC-G. GRCh37 (hg19) VCF-style: chr3-52326624-GC-G.
Other names: c.1057delC (NM_145262.3); c.*176del (NM_001144951.2); c.1057del (NM_145262.3); short protein forms H353fs.
Identifiers: ClinVar variation 1696022 (VCV001696022.8), dbSNP rs1700517033, ClinGen allele CA433882932.

ClinVar aggregate classification (germline): Conflicting classifications of pathogenicity. Review status: criteria provided, conflicting classifications (1 of 4 stars). 3 submissions from 3 submitters: Likely pathogenic (2); Uncertain significance (1). Last evaluated 2025-05-22.

Conditions:
D-Glyceric aciduria. Also called: GLYCERATE KINASE DEFICIENCY; Deficiency of glycerate kinase. Identifiers: Orphanet 941, MedGen C0342765, MONDO:0009070, OMIM 220120.

Submissions (3):

GeneDx
Classification: Likely pathogenic. Last evaluated: 2025-05-22. Review status: criteria provided, single submitter. Criteria: GeneDx Variant Classification Process June 2021. Collection method: clinical testing. Allele origin: germline.
Comment: Frameshift variant predicted to result in abnormal protein length as the last 171 amino acid(s) are replaced with 81 different amino acid(s), and other similar variants have been reported in HGMD; Not observed at significant frequency in large population cohorts (gnomAD); Has not been previously published as pathogenic or benign to our knowledge

Women's Health and Genetics/Laboratory Corporation of America, LabCorp
Classification: Likely pathogenic for D-Glyceric aciduria. Last evaluated: 2022-05-18. Review status: criteria provided, single submitter. Criteria: LabCorp Variant Classification Summary - May 2015. Collection method: clinical testing. Allele origin: germline.
Comment: Variant summary: GLYCTK c.1057delC (p.His353MetfsX82) results in a premature termination codon, predicted to cause a truncation of the encoded protein (with the last 171 amino acids replaced by 82 different amino acids) or absence of the protein due to nonsense mediated decay, which are commonly known mechanisms for disease. Truncations downstream of this position have been cited as pathogenic and as disease-associated in online databases (ClinVar, HGMD), and have been reported in the literature in affected patients (e.g. c.1448delT, p.Phe483SerfsX2; PMID: 20949620). The variant was absent in 250682 control chromosomes (gnomAD). To our knowledge, no occurrence of c.1057delC in individuals affected with D-Glyceric Aciduria and no experimental evidence demonstrating its impact on protein function have been reported. No clinical diagnostic laboratories have submitted clinical-significance assessments for this variant to ClinVar after 2014. Based on the evidence outlined above, the variant was classified as likely pathogenic.

Labcorp Genetics (formerly Invitae), Labcorp
Classification: Uncertain significance. Last evaluated: 2022-01-07. Review status: criteria provided, single submitter. Criteria: Invitae Variant Classification Sherloc (09022015). Collection method: clinical testing. Allele origin: germline.
Comment: In summary, the available evidence is currently insufficient to determine the role of this variant in disease. Therefore, it has been classified as a Variant of Uncertain Significance. Experimental studies and prediction algorithms are not available or were not evaluated, and the functional significance of this variant is currently unknown. This variant has not been reported in the literature in individuals affected with GLYCTK-related conditions. This variant is not present in population databases (gnomAD no frequency). This sequence change creates a premature translational stop signal (p.His353Metfs*82) in the GLYCTK gene. While this is not anticipated to result in nonsense mediated decay, it is expected to disrupt the last 171 amino acid(s) of the GLYCTK protein.